The following is an entry in ClinVar:

ClinVar aggregate classification (germline): Uncertain significance (1 of 4 stars; one submission).

Conditions:
Hereditary cancer-predisposing syndrome. Also called: Neoplastic Syndromes, Hereditary; Tumor predisposition; Hereditary neoplastic syndrome; Hereditary Cancer Syndrome. Identifiers: Orphanet 140162, MedGen C0027672, MeSH D009386, MONDO:0015356.

Submission:

Ambry Genetics
Classification: Uncertain significance for Hereditary cancer-predisposing syndrome. Last evaluated: 2026-09-09. Review status: criteria provided, single submitter. Criteria: Ambry Variant Classification Scheme 2023. Collection method: clinical testing. Allele origin: germline.
Comment: The p.S454T variant (also known as c.1360T>A), located in coding exon 10 of the NBN gene, results from a T to A substitution at nucleotide position 1360. The serine at codon 454 is replaced by threonine, an amino acid with similar properties. This amino acid position is conserved. In addition, this alteration is predicted to be tolerated by in silico analysis. Based on the available evidence, the clinical significance of this variant remains unclear.

NM_002485.5(NBN):c.1360T>A (p.Ser454Thr)

Gene: NBN (nibrin; minus strand). Cytogenetic location: 8q21.3.
Variant type: single nucleotide variant.
Coding change: c.1360T>A on transcript NM_002485.5 (MANE Select); coding-DNA position 1360, T replaced by A.
Protein change: p.Ser454Thr; replaces serine 454 with threonine.
Molecular consequence: missense variant.
Genome position (GRCh38, 1-based): chr8:89,955,320, A>T on the plus strand (T>A on the coding strand, the complement: NBN is on the minus strand). VCF-style: chr8-89955320-A-T. GRCh37 (hg19) VCF-style: chr8-90967548-A-T.
Other names: c.1114T>A, p.Ser372Thr (NM_001024688.3, NM_001440379.1, NM_001440380.1); short protein forms S372T, S454T.
Identifiers: ClinVar variation 5025422 (VCV005025422.1).